The following is an entry in ClinVar:

ClinVar aggregate classification (germline): Uncertain significance (1 of 4 stars; one submission).

Submission:

Labcorp Genetics (formerly Invitae), Labcorp
Classification: Uncertain significance. Last evaluated: 2022-11-01. Review status: criteria provided, single submitter. Criteria: Invitae Variant Classification Sherloc (09022015). Collection method: clinical testing. Allele origin: germline.
Comment: This variant is not present in population databases (gnomAD no frequency). This sequence change replaces leucine, which is neutral and non-polar, with phenylalanine, which is neutral and non-polar, at codon 10 of the TIMP3 protein (p.Leu10Phe). In summary, the available evidence is currently insufficient to determine the role of this variant in disease. Therefore, it has been classified as a Variant of Uncertain Significance. Algorithms developed to predict the effect of missense changes on protein structure and function are either unavailable or do not agree on the potential impact of this missense change (SIFT: "Deleterious"; PolyPhen-2: "Benign"; Align-GVGD: "Class C0"). ClinVar contains an entry for this variant (Variation ID: 1052941). This variant has not been reported in the literature in individuals affected with TIMP3-related conditions.

NM_000362.5(TIMP3):c.28C>T (p.Leu10Phe)

Genes: SYN3 (synapsin III; minus strand), TIMP3 (TIMP metallopeptidase inhibitor 3; plus strand). Cytogenetic location: 22q12.3.
Variant type: single nucleotide variant.
Coding change: c.28C>T on transcript NM_000362.5 (MANE Select); coding-DNA position 28, C replaced by T.
Protein change: p.Leu10Phe; replaces leucine 10 with phenylalanine.
Molecular consequence: missense variant. On other transcripts: intron variant (7).
Genome position (GRCh38, 1-based): chr22:32,802,029, C>T. VCF-style: chr22-32802029-C-T. GRCh37 (hg19) VCF-style: chr22-33198015-C-T.
Other names: c.708+62886G>A (NM_001369909.1, NM_001135774.2, NM_001369910.1); c.711+62886G>A (NM_001369907.1, NM_003490.4, NM_001369908.1 and 1 more transcripts); short protein forms L10F.
Identifiers: ClinVar variation 1052941 (VCV001052941.9), dbSNP rs2145931057, ClinGen allele CA411538925.